The following is an entry in ClinVar:

NM_000540.3(RYR1):c.2896C>G (p.Pro966Ala)

Gene: RYR1 (ryanodine receptor 1; plus strand). Cytogenetic location: 19q13.2.
Variant type: single nucleotide variant.
Coding change: c.2896C>G on transcript NM_000540.3 (MANE Select); coding-DNA position 2896, C replaced by G.
Protein change: p.Pro966Ala; replaces proline 966 with alanine.
Molecular consequence: missense variant.
Genome position (GRCh38, 1-based): chr19:38,466,116, C>G. VCF-style: chr19-38466116-C-G. GRCh37 (hg19) VCF-style: chr19-38956756-C-G.
Other names: c.2896C>G, p.Pro966Ala (NM_001042723.2); short protein forms P966A.
Identifiers: ClinVar variation 3387676 (VCV003387676.1).

ClinVar aggregate classification (germline): Uncertain significance (1 of 4 stars; one submission).

Conditions:
Malignant hyperthermia, susceptibility to, 1 (MHS1). Also called: Anesthesia related hyperthermia; Malignant hyperpyrexia; Fulminating hyperpyrexia; Pharmacogenic myopathy; RYR1-Related Malignant Hyperthermia Susceptibility; Malignant hyperthermia suceptibility 1. Identifiers: Orphanet 423, MedGen C2930980, MONDO:0007783, OMIM 145600.

gnomAD v4.1: 1 of 1,612,012 alleles (0.000062%); highest among the groups gnomAD compares: Non-Finnish European, 0.000085%; no homozygotes.

Submission:

All of Us Research Program, National Institutes of Health
Classification: Uncertain significance for Malignant hyperthermia, susceptibility to, 1. Last evaluated: 2024-02-22. Review status: criteria provided, single submitter. Criteria: ACMG Guidelines, 2015. Collection method: clinical testing. Allele origin: germline. Inheritance: Autosomal dominant inheritance. Observed: 1 variant allele, 1 heterozygote.
Comment: This missense variant replaces proline with alanine at codon 966 of the RYR1 protein. Computational prediction suggests that this variant may have deleterious impact on protein structure and function (internally defined REVEL score threshold >= 0.7, PMID: 27666373). To our knowledge, functional studies have not been reported for this variant. This variant has not been reported in individuals affected with RYR1-related disorders in the literature. This variant has not been identified in the general population by the Genome Aggregation Database (gnomAD). The available evidence is insufficient to determine the role of this variant in disease conclusively. Therefore, this variant is classified as a Variant of Uncertain Significance.

This study involves interpretation of variants in research participants for the purpose of population health screening. Participant phenotype was not available at the time of variant classification. Additional details can be found in publication PMID: 35346344, PMCID: PMC8962531